The following is an entry in ClinVar:

NM_152564.5(VPS13B):c.11660C>T (p.Thr3887Ile)

Gene: VPS13B (vacuolar protein sorting 13 homolog B; plus strand). Cytogenetic location: 8q22.2.
Variant type: single nucleotide variant.
Coding change: c.11660C>T on transcript NM_152564.5 (MANE Select); coding-DNA position 11660, C replaced by T.
Protein change: p.Thr3887Ile; replaces threonine 3887 with isoleucine.
Molecular consequence: missense variant.
Genome position (GRCh38, 1-based): chr8:99,871,612, C>T. VCF-style: chr8-99871612-C-T. GRCh37 (hg19) VCF-style: chr8-100883840-C-T.
Other names: c.11735C>T, p.Thr3912Ile (NM_017890.5); short protein forms T3912I, T3887I.
Identifiers: ClinVar variation 1394329 (VCV001394329.5), dbSNP rs1817419149, ClinGen allele CA371794759.

ClinVar aggregate classification (germline): Uncertain significance (1 of 4 stars; one submission).

Conditions:
Cohen syndrome (COH1). Also called: PEPPER SYNDROME; Cutis verticis gyrata, retinitis pigmentosa, and sensorineural deafness. Identifiers: Orphanet 193, MedGen C0265223, MONDO:0008999, OMIM 216550.

Allele frequency attached by ClinVar (database versions not stated): TOPMed below 0.00001.

Submission:

Labcorp Genetics (formerly Invitae), Labcorp
Classification: Uncertain significance for Cohen syndrome. Last evaluated: 2022-08-10. Review status: criteria provided, single submitter. Criteria: Invitae Variant Classification Sherloc (09022015). Collection method: clinical testing. Allele origin: germline.
Comment: This sequence change replaces threonine, which is neutral and polar, with isoleucine, which is neutral and non-polar, at codon 3912 of the VPS13B protein (p.Thr3912Ile). This variant is not present in population databases (gnomAD no frequency). This variant has not been reported in the literature in individuals affected with VPS13B-related conditions. ClinVar contains an entry for this variant (Variation ID: 1394329). Algorithms developed to predict the effect of missense changes on protein structure and function are either unavailable or do not agree on the potential impact of this missense change (SIFT: "Not Available"; PolyPhen-2: "Possibly Damaging"; Align-GVGD: "Not Available"). In summary, the available evidence is currently insufficient to determine the role of this variant in disease. Therefore, it has been classified as a Variant of Uncertain Significance.